The following is an entry in ClinVar:

ClinVar aggregate classification (germline): Uncertain significance. Review status: criteria provided, multiple submitters, no conflicts (2 of 4 stars). 2 submissions from 2 submitters: Uncertain significance (2). Last evaluated 2025-08-02.

gnomAD v4.1: 2 of 1,611,204 alleles (0.00012%); highest among the groups gnomAD compares: South Asian, 0.0011%; no homozygotes.

Submissions (2):

Ambry Genetics
Classification: Uncertain significance. Last evaluated: 2025-08-02. Review status: criteria provided, single submitter. Criteria: Ambry Variant Classification Scheme 2023. Collection method: clinical testing. Allele origin: germline.

CeGaT Center for Human Genetics Tuebingen
Classification: Uncertain significance. Last evaluated: 2023-01-01. Review status: criteria provided, single submitter. Criteria: CeGaT Center For Human Genetics Tuebingen Variant Classification Criteria Version 2. Collection method: clinical testing. Allele origin: germline. Affected: yes. Observed: 1 variant allele.
Comment: PLEKHA1: PM2

NM_001001974.4(PLEKHA1):c.467A>G (p.Gln156Arg)

Gene: PLEKHA1 (pleckstrin homology domain containing A1; plus strand). Cytogenetic location: 10q26.13.
Variant type: single nucleotide variant.
Coding change: c.467A>G on transcript NM_001001974.4 (MANE Select); coding-DNA position 467, A replaced by G.
Protein change: p.Gln156Arg; replaces glutamine 156 with arginine.
Molecular consequence: missense variant. On other transcripts: non-coding transcript variant (5).
Genome position (GRCh38, 1-based): chr10:122,413,044, A>G. VCF-style: chr10-122413044-A-G. GRCh37 (hg19) VCF-style: chr10-124172560-A-G.
Other names: c.434A>G, p.Gln145Arg (NM_001377251.1, NM_001377247.1); c.323A>G, p.Gln108Arg (NM_001377252.1, NM_001377253.1, NM_001377254.1 and 2 more transcripts); c.341A>G, p.Gln114Arg (NM_001377256.1); c.467A>G, p.Gln156Arg (NM_001377258.1, NM_021622.5, NM_001195608.2 and 16 more transcripts); c.407A>G, p.Gln136Arg (NM_001377249.1); c.458A>G, p.Gln153Arg (NM_001377250.1); c.467A>G (NM_001001974.2); short protein forms Q108R, Q114R, Q136R, Q145R, Q153R, Q156R.
Identifiers: ClinVar variation 2640903 (VCV002640903.25), dbSNP rs2097128433, ClinGen allele CA378582710.